The following is an entry in ClinVar:

NM_002354.3(EPCAM):c.657+6T>C

Gene: EPCAM (epithelial cell adhesion molecule; plus strand). Cytogenetic location: 2p21.
Variant type: single nucleotide variant.
Coding change: c.657+6T>C on transcript NM_002354.3 (MANE Select); 6 bases into the intron after coding-DNA position 657, T replaced by C.
Molecular consequence: intron variant.
Genome position (GRCh38, 1-based): chr2:47,379,060, T>C. VCF-style: chr2-47379060-T-C. GRCh37 (hg19) VCF-style: chr2-47606199-T-C.
Identifiers: ClinVar variation 968684 (VCV000968684.10), dbSNP rs370631241, ClinGen allele CA1649103.

ClinVar aggregate classification (germline): Uncertain significance. Review status: criteria provided, multiple submitters, no conflicts (2 of 4 stars). 2 submissions from 2 submitters: Uncertain significance (2). Last evaluated 2024-07-25.

Allele frequency attached by ClinVar (database versions not stated): TOPMed 0.00002; gnomAD 0.00003 and 0.00004; gnomAD exomes 0.00006; ExAC 0.00007; ESP Exome Variant Server 0.00008.
gnomAD v4.1: 34 of 1,401,546 alleles (0.0024%); highest among the groups gnomAD compares: Non-Finnish European, 0.0017%; no homozygotes.

Submissions (2):

Blueprint Genetics
Classification: Uncertain significance. Last evaluated: 2024-07-25. Review status: criteria provided, single submitter. Criteria: ACMG Guidelines, 2015. Collection method: clinical testing. Allele origin: germline.

Labcorp Genetics (formerly Invitae), Labcorp
Classification: Uncertain significance. Last evaluated: 2019-10-21. Review status: criteria provided, single submitter. Criteria: Invitae Variant Classification Sherloc (09022015). Collection method: clinical testing. Allele origin: germline.
Comment: In summary, this variant has uncertain impact on EPCAM function. The available evidence is currently insufficient to determine its role in disease. Therefore, it has been classified as a Variant of Uncertain Significance. Nucleotide substitutions within the consensus splice site are relatively common causes of aberrant splicing (PMID: 17576681, 9536098). Algorithms developed to predict the effect of sequence changes on RNA splicing suggest that this variant may disrupt the consensus splice site, but this prediction has not been confirmed by published transcriptional studies. This variant has not been reported in the literature in individuals with an EPCAM-related disease. This variant is present in population databases (rs370631241, 0.02%). This sequence change falls in intron 6 of the EPCAM gene. It does not directly change the encoded amino acid sequence of the EPCAM protein, but it affects a nucleotide within the consensus splice site of the intron.

Literature cited by the submitters: PubMed 17576681 (cited by Labcorp Genetics (formerly Invitae), Labcorp); PubMed 9536098 (cited by Labcorp Genetics (formerly Invitae), Labcorp).